The following is an entry in ClinVar:

ClinVar aggregate classification (germline): Conflicting classifications of pathogenicity. Review status: criteria provided, conflicting classifications (1 of 4 stars). 2 submissions from 2 submitters: Uncertain significance (1); Likely benign (1). Last evaluated 2022-10-01.

Conditions:
Combined immunodeficiency due to DOCK8 deficiency (HIES2). Also called: HYPER-IgE RECURRENT INFECTION SYNDROME 2, AUTOSOMAL RECESSIVE; DOCK8 Deficiency; HIES autosomal recessive; Hyper-IgE recurrent infection syndrome, autosomal recessive; HYPER-IgE SYNDROME 2, AUTOSOMAL RECESSIVE, WITH RECURRENT INFECTIONS. Identifiers: Orphanet 217390, MedGen C4722305, MONDO:0009478, OMIM 243700.

Allele frequency attached by ClinVar (database versions not stated): ExAC 0.00003; gnomAD exomes 0.00003 and 0.00007; TOPMed 0.00006; ESP Exome Variant Server 0.00008; 1000 Genomes Project 30x 0.00031; 1000 Genomes Project 0.00040.

Submissions (2):

CeGaT Center for Human Genetics Tuebingen
Classification: Likely benign. Last evaluated: 2022-10-01. Review status: criteria provided, single submitter. Criteria: CeGaT Center For Human Genetics Tuebingen Variant Classification Criteria Version 2. Collection method: clinical testing. Allele origin: germline. Affected: yes. Observed: 2 variant alleles.
Comment: DOCK8: BP4

Labcorp Genetics (formerly Invitae), Labcorp
Classification: Uncertain significance for Combined immunodeficiency due to DOCK8 deficiency. Last evaluated: 2022-05-13. Review status: criteria provided, single submitter. Criteria: Invitae Variant Classification Sherloc (09022015). Collection method: clinical testing. Allele origin: germline.
Comment: This sequence change replaces arginine, which is basic and polar, with cysteine, which is neutral and slightly polar, at codon 180 of the DOCK8 protein (p.Arg180Cys). This variant is present in population databases (rs141961156, gnomAD 0.01%). This variant has not been reported in the literature in individuals affected with DOCK8-related conditions. ClinVar contains an entry for this variant (Variation ID: 857419). Algorithms developed to predict the effect of missense changes on protein structure and function output the following: SIFT: "Tolerated"; PolyPhen-2: "Benign"; Align-GVGD: "Class C0". The cysteine amino acid residue is found in multiple mammalian species, which suggests that this missense change does not adversely affect protein function. In summary, the available evidence is currently insufficient to determine the role of this variant in disease. Therefore, it has been classified as a Variant of Uncertain Significance.

NM_203447.4(DOCK8):c.538C>T (p.Arg180Cys)

Gene: DOCK8 (dedicator of cytokinesis 8; plus strand). Cytogenetic location: 9p24.3.
Variant type: single nucleotide variant.
Coding change: c.538C>T on transcript NM_203447.4 (MANE Select); coding-DNA position 538, C replaced by T.
Protein change: p.Arg180Cys; replaces arginine 180 with cysteine.
Molecular consequence: missense variant.
Genome position (GRCh38, 1-based): chr9:311,963, C>T. VCF-style: chr9-311963-C-T. GRCh37 (hg19) VCF-style: chr9-311963-C-T.
Other names: c.334C>T, p.Arg112Cys (NM_001190458.2, NM_001193536.2); short protein forms R112C, R180C.
Identifiers: ClinVar variation 857419 (VCV000857419.29), dbSNP rs141961156, ClinGen allele CA4957308.